The following is an entry in ClinVar:

ClinVar aggregate classification (germline): Uncertain significance (1 of 4 stars; one submission).

Allele frequency attached by ClinVar (database versions not stated): gnomAD exomes below 0.00001; ExAC 0.00001; gnomAD 0.00001; TOPMed 0.00001; ESP Exome Variant Server 0.00008.
gnomAD v4.1: 3 of 1,614,034 alleles (0.00019%); highest among the groups gnomAD compares: African/African-American, 0.0027%; no homozygotes.

Submission:

Labcorp Genetics (formerly Invitae), Labcorp
Classification: Uncertain significance. Last evaluated: 2022-08-23. Review status: criteria provided, single submitter. Criteria: Invitae Variant Classification Sherloc (09022015). Collection method: clinical testing. Allele origin: germline.
Comment: This sequence change replaces asparagine, which is neutral and polar, with tyrosine, which is neutral and polar, at codon 3768 of the LRP2 protein (p.Asn3768Tyr). This variant is present in population databases (rs375643749, gnomAD 0.007%). This variant has not been reported in the literature in individuals affected with LRP2-related conditions. Algorithms developed to predict the effect of missense changes on protein structure and function are either unavailable or do not agree on the potential impact of this missense change (SIFT: "Deleterious"; PolyPhen-2: "Probably Damaging"; Align-GVGD: "Class C15"). In summary, the available evidence is currently insufficient to determine the role of this variant in disease. Therefore, it has been classified as a Variant of Uncertain Significance.

NM_004525.3(LRP2):c.11302A>T (p.Asn3768Tyr)

Gene: LRP2 (LDL receptor related protein 2; minus strand). Cytogenetic location: 2q31.1.
Variant type: single nucleotide variant.
Coding change: c.11302A>T on transcript NM_004525.3 (MANE Select); coding-DNA position 11302, A replaced by T.
Protein change: p.Asn3768Tyr; replaces asparagine 3768 with tyrosine.
Molecular consequence: missense variant.
Genome position (GRCh38, 1-based): chr2:169,170,629, T>A on the plus strand (A>T on the coding strand, the complement: LRP2 is on the minus strand). VCF-style: chr2-169170629-T-A. GRCh37 (hg19) VCF-style: chr2-170027139-T-A.
Other names: short protein forms N3768Y.
Identifiers: ClinVar variation 1946246 (VCV001946246.2), dbSNP rs375643749, ClinGen allele CA1953115.